The following is an entry in ClinVar:

ClinVar aggregate classification (germline): Conflicting classifications of pathogenicity. Review status: criteria provided, conflicting classifications (1 of 4 stars). 2 submissions from 2 submitters: Likely pathogenic (1); Uncertain significance (1). Last evaluated 2025-10-02.

Conditions:
Early-onset myopathy with fatal cardiomyopathy (CMYO5). Also called: Salih Myopathy; CONGENITAL MYOPATHY 5 WITH CARDIOMYOPATHY. Identifiers: Orphanet 289377, MedGen C2673677, MONDO:0012714, OMIM 611705. Disease mechanism: loss of function.
Hypertrophic cardiomyopathy 9. Also called: Familial hypertrophic cardiomyopathy 9. Identifiers: MedGen C1861065, MONDO:0013412, OMIM 613765.
Myopathy, myofibrillar, 9, with early respiratory failure (MFM9). Also called: Hereditary myopathy with early respiratory failure; EDSTROM MYOPATHY; MYOPATHY, PROXIMAL, WITH EARLY RESPIRATORY MUSCLE INVOLVEMENT; Myopathy, distal, with early respiratory failure, autosomal dominant. Identifiers: Orphanet 178464, Orphanet 34521, MedGen C1863599, MONDO:0011362, OMIM 603689.
Tibial muscular dystrophy (TMD). Also called: Tibial muscular dystrophy, tardive; UDD MYOPATHY; Udd Distal Myopathy – Tibial Muscular Dystrophy. Identifiers: Orphanet 609, MedGen C1838244, MONDO:0010870, OMIM 600334.
Dilated cardiomyopathy 1G (CMD1G). Identifiers: Orphanet 154, MedGen C1858763, MONDO:0011400, OMIM 604145.
Autosomal recessive limb-girdle muscular dystrophy type 2J (LGMDR10). Also called: Limb-girdle muscular dystrophy, type 2J; MUSCULAR DYSTROPHY, LIMB-GIRDLE, AUTOSOMAL RECESSIVE 10. Identifiers: Orphanet 140922, MedGen C1837342, MONDO:0012127, OMIM 608807.

Submissions (2):

Labcorp Genetics (formerly Invitae), Labcorp
Classification: Likely pathogenic for Dilated cardiomyopathy 1G; Autosomal recessive limb-girdle muscular dystrophy type 2J. Last evaluated: 2025-10-02. Review status: criteria provided, single submitter. Criteria: Invitae Variant Classification Sherloc (09022015). Collection method: clinical testing. Allele origin: germline.
Comment: This sequence change creates a premature translational stop signal (p.Lys7576Leufs*3) in the TTN gene. While this is not anticipated to result in nonsense mediated decay, it is expected to create a truncated TTN protein. This variant is not present in population databases (gnomAD no frequency). This variant has not been reported in the literature in individuals affected with TTN-related conditions. ClinVar contains an entry for this variant (Variation ID: 1507592). This variant is located in the I band of TTN (PMID: 25589632). Truncating variants in this region have been reported in individuals affected with autosomal recessive centronuclear myopathy (PMID: 23975875, internal data). Truncating variants in this region have also been identified in individuals affected with autosomal dominant dilated cardiomyopathy and/or cardio-related conditions (PMID: 27869827, 32964742, internal data). In summary, the currently available evidence indicates that the variant is pathogenic, but additional data are needed to prove that conclusively. Therefore, this variant has been classified as Likely Pathogenic.

Fulgent Genetics
Classification: Uncertain significance for Tibial muscular dystrophy; Myopathy, myofibrillar, 9, with early respiratory failure; Dilated cardiomyopathy 1G; Autosomal recessive limb-girdle muscular dystrophy type 2J; Early-onset myopathy with fatal cardiomyopathy; Hypertrophic cardiomyopathy 9. Last evaluated: 2021-09-22. Review status: criteria provided, single submitter. Criteria: ACMG Guidelines, 2015. Collection method: clinical testing. Allele origin: unknown.

Literature cited by the submitters: PubMed 25589632 (cited by Labcorp Genetics (formerly Invitae), Labcorp); PubMed 23975875 (cited by Labcorp Genetics (formerly Invitae), Labcorp); PubMed 27869827 (cited by Labcorp Genetics (formerly Invitae), Labcorp); PubMed 32964742 (cited by Labcorp Genetics (formerly Invitae), Labcorp).

NM_001267550.2(TTN):c.22724_22725dup (p.Lys7576fs)

Gene: TTN (titin; minus strand). Cytogenetic location: 2q31.2.
Variant type: Duplication.
Coding change: c.22724_22725dup on transcript NM_001267550.2 (MANE Select); coding-DNA positions 22724 to 22725, 2 bases duplicated (TT; older notation c.22724_22725dupTT).
Protein change: p.Lys7576fs; shifts the reading frame from lysine 7576.
Molecular consequence: frameshift variant. On other transcripts: intron variant (3).
Genome position (GRCh38, 1-based): chr2:178,721,938-178,721,939, AA duplicated on the plus strand (TT on the coding strand, the reverse complement: TTN is on the minus strand). VCF-style (leftmost placement, unchanged base first): chr2-178721937-T-TAA. GRCh37 (hg19) VCF-style: chr2-179586664-T-TAA.
Other names: c.21773_21774dup, p.Lys7259fs (NM_001256850.1); c.18992_18993dup, p.Lys6332fs (NM_133378.4); c.13282+16143_13282+16144dup (NM_003319.4); c.13858+16143_13858+16144dup (NM_133437.4); c.13657+16143_13657+16144dup (NM_133432.3); short protein forms K6332fs, K7259fs, K7576fs.
Identifiers: ClinVar variation 1507592 (VCV001507592.8), dbSNP rs2154301477, ClinGen allele CA2573133937.